The following is an entry in ClinVar:

NM_024757.5(EHMT1):c.3459C>T (p.Cys1153=)

Gene: EHMT1 (euchromatic histone lysine methyltransferase 1; plus strand). Cytogenetic location: 9q34.3.
Variant type: single nucleotide variant.
Coding change: c.3459C>T on transcript NM_024757.5 (MANE Select); coding-DNA position 3459, C replaced by T.
Protein change: p.Cys1153=; no amino-acid change (cysteine 1153 retained).
Molecular consequence: synonymous variant.
Genome position (GRCh38, 1-based): chr9:137,817,523, C>T. VCF-style: chr9-137817523-C-T. GRCh37 (hg19) VCF-style: chr9-140711975-C-T.
Other names: c.3438C>T, p.Cys1146= (NM_001354263.2); c.3459C>T (NM_024757.4).
Identifiers: ClinVar variation 1298385 (VCV001298385.6), dbSNP rs2132793967, ClinGen allele CA467877620.

ClinVar aggregate classification (germline): Conflicting classifications of pathogenicity. Review status: criteria provided, conflicting classifications (1 of 4 stars). 6 submissions from 6 submitters: Pathogenic (2); Likely pathogenic (2); Uncertain significance (1). 1 of the submissions does not count toward it. Last evaluated 2024-11-05.

Conditions:
Kleefstra syndrome 1 (KLEFS1). Identifiers: Orphanet 261494, MedGen C0795833, MONDO:0027407, OMIM 610253.
EHMT1-related disorder. Also called: EHMT1-related condition.

Submissions (6):

3billion
Classification: Likely pathogenic for Kleefstra syndrome 1. Last evaluated: 2024-11-05. Review status: criteria provided, single submitter. Criteria: ACMG Guidelines, 2015. Collection method: clinical testing. Allele origin: germline. Affected: yes.
Comment: The variant is not observed in the gnomAD v4.1.0 dataset. Predicted Consequence/Location: Synonymous variant In silico tools predict the variant to alter splicing and produce an abnormal transcript [SpliceAI: 0.95 (>=0.2, moderate evidence for spliceogenicity)]. The variant has been previously reported as assumed (i.e. paternity and maternity not confirmed) de novo in at least two similarly affected unrelated individuals (PMID: 39013458). The variant has been reported to be associated with EHMT1-related disorder (ClinVar ID: VCV001298385, PMID: 39013458, 35904121). Therefore, this variant is classified as Likely pathogenic according to the recommendation of ACMG/AMP guideline.

GeneDx
Classification: Likely pathogenic. Last evaluated: 2024-01-10. Review status: criteria provided, single submitter. Criteria: GeneDx Variant Classification Process June 2021. Collection method: clinical testing. Allele origin: germline. Affected: yes.
Comment: Identified in a patient with Kleefstra syndrome, however, detailed clinical and segregation information were not provided (PMID: 35904121); Not observed at significant frequency in large population cohorts (gnomAD); In silico analysis supports a deleterious effect on splicing; This variant is associated with the following publications: (PMID: 35904121)

MVZ Martinsried, Medicover Genetics
Classification: Uncertain significance for Kleefstra syndrome 1. Last evaluated: 2021-07-26. Review status: criteria provided, single submitter. Criteria: ACGS Guidelines, 2020. Collection method: clinical testing. Allele origin: de novo. Affected: yes.

Laboratory of Genetics, Children's Clinical University Hospital Latvia
Classification: Pathogenic for Kleefstra syndrome 1. Review status: criteria provided, single submitter. Criteria: ACMG Guidelines, 2015. Collection method: curation. Allele origin: de novo. Affected: yes.
Comment: de novo

Molecular Genetics Lab, CHRU Brest
Classification: Pathogenic for Kleefstra syndrome 1. Review status: criteria provided, single submitter. Criteria: ACMG Guidelines, 2015. Collection method: clinical testing. Allele origin: de novo. Affected: yes.

PreventionGenetics, part of Exact Sciences
Classification: Uncertain significance for EHMT1-related condition. Last evaluated: 2023-11-21. Review status: no assertion criteria provided. Collection method: clinical testing. Allele origin: germline. Not counted in ClinVar's aggregate classification.
Comment: The EHMT1 c.3459C>T variant is not predicted to result in an amino acid change (p.=). This variant is predicted to impact splicing and has been reported in an individual with Kleefstra syndrome (Supplementary Table 1, Levy et al. 2022. PubMed ID: 35904121). This variant has not been reported in a large population database, indicating this variant is rare. At this time, the clinical significance of this variant is uncertain due to the absence of conclusive functional and genetic evidence.

Literature cited by the submitters: PubMed 39013458 (cited by 3billion and Laboratory of Genetics, Children's Clinical University Hospital Latvia).